The following is an entry in ClinVar:

NM_005213.4(CSTA):c.192T>A (p.Tyr64Ter)

Gene: CSTA (cystatin A; plus strand). Cytogenetic location: 3q21.1.
Variant type: single nucleotide variant.
Coding change: c.192T>A on transcript NM_005213.4 (MANE Select); coding-DNA position 192, T replaced by A.
Protein change: p.Tyr64Ter; replaces tyrosine 64 with a stop codon.
Molecular consequence: nonsense.
Genome position (GRCh38, 1-based): chr3:122,341,462, T>A. VCF-style: chr3-122341462-T-A. GRCh37 (hg19) VCF-style: chr3-122060309-T-A.
Other names: short protein forms Y64*.
Identifiers: ClinVar variation 3357701 (VCV003357701.3).

ClinVar aggregate classification (germline): Uncertain significance. Review status: criteria provided, single submitter (1 of 4 stars). 2 submissions from 2 submitters: Uncertain significance (1). 1 of the submissions does not count toward it. Last evaluated 2025-02-11.

Conditions:
CSTA-related disorder. Also called: CSTA-related condition.

gnomAD v4.1: 19 of 1,613,866 alleles (0.0012%); highest among the groups gnomAD compares: African/African-American, 0.017%; no homozygotes.

Submissions (2):

Dasa
Classification: Uncertain significance. Last evaluated: 2025-02-11. Review status: criteria provided, single submitter. Criteria: DASA Assertion Criteria. Collection method: clinical testing. Allele origin: germline.
Comment: NM_005213.4(CSTA):c.192T>A (p.Tyr64*) is a nonsense variant in CSTA predicted to introduce a premature termination codon and is predicted to result in an absent or altered protein product. This variant is rare in population databases. The currently available literature and clinical evidence are not sufficient to establish a definitive association between this variant and the reported condition. Therefore, this variant is classified as a variant of uncertain significance.

PreventionGenetics, part of Exact Sciences
Classification: Pathogenic for CSTA-related condition. Last evaluated: 2024-07-01. Review status: no assertion criteria provided. Collection method: clinical testing. Allele origin: germline. Not counted in ClinVar's aggregate classification.
Comment: The CSTA c.192T>A variant is predicted to result in premature protein termination (p.Tyr64*). To our knowledge, this variant has not been reported in the literature. This variant is reported in 0.016% of alleles in individuals of African descent in gnomAD. Nonsense variants in CSTA are expected to be pathogenic. This variant is interpreted as pathogenic.